The following is an entry in ClinVar:

ClinVar aggregate classification (germline): Pathogenic (1 of 4 stars; one submission).

Submission:

Labcorp Genetics (formerly Invitae), Labcorp
Classification: Pathogenic. Last evaluated: 2022-08-06. Review status: criteria provided, single submitter. Criteria: Invitae Variant Classification Sherloc (09022015). Collection method: clinical testing. Allele origin: germline.
Comment: This sequence change creates a premature translational stop signal (p.Lys44Profs*42) in the GDF5 gene. It is expected to result in an absent or disrupted protein product. Loss-of-function variants in GDF5 are known to be pathogenic (PMID: 8589725, 9288091, 12121354, 12357473, 27577507). This variant is not present in population databases (gnomAD no frequency). This variant has not been reported in the literature in individuals affected with GDF5-related conditions. ClinVar contains an entry for this variant (Variation ID: 1388599). For these reasons, this variant has been classified as Pathogenic.

Literature cited by the submitters: PubMed 8589725; PubMed 9288091; PubMed 12121354; PubMed 12357473; PubMed 27577507.

NM_000557.5(GDF5):c.130_152del (p.Lys44fs)

Gene: GDF5 (growth differentiation factor 5; minus strand). Cytogenetic location: 20q11.22.
Variant type: Deletion.
Coding change: c.130_152del on transcript NM_000557.5 (MANE Select); coding-DNA positions 130 to 152, 23 bases deleted (AAAGCAGAGGCCAAGGAGAGGCC).
Protein change: p.Lys44fs; shifts the reading frame from lysine 44.
Molecular consequence: frameshift variant.
Genome position (GRCh38, 1-based): chr20:35,437,777-35,437,799, GGCCTCTCCTTGGCCTCTGCTTT deleted on the plus strand (AAAGCAGAGGCCAAGGAGAGGCC on the coding strand, the reverse complement: GDF5 is on the minus strand); deleting any 23 consecutive bases within chr20:35,437,777-35,437,803 gives the same sequence; the c. name uses the placement nearest the transcript's 3' end. VCF-style (leftmost placement, unchanged base first): chr20-35437776-GGGCCTCTCCTTGGCCTCTGCTTT-G. GRCh37 (hg19) VCF-style: chr20-34025556-GGGCCTCTCCTTGGCCTCTGCTTT-G.
Other names: c.130_152del, p.Lys44fs (NM_001319138.2); short protein forms K44fs.
Identifiers: ClinVar variation 1388599 (VCV001388599.6), dbSNP rs2062480958, ClinGen allele CA2361650941.